The following is an entry in ClinVar:

ClinVar aggregate classification (germline): Uncertain significance. Review status: criteria provided, multiple submitters, no conflicts (2 of 4 stars). 2 submissions from 2 submitters: Uncertain significance (2). Last evaluated 2025-05-20.

Conditions:
Cardiomyopathy (CMYO). Also called: Cardiomyopathies. Identifiers: Orphanet 167848, MedGen C0878544, MONDO:0004994, HP:0001638. Inheritance: Various modes of inheritance.

Allele frequency attached by ClinVar (database versions not stated): gnomAD exomes below 0.00001.
gnomAD v4.1: 4 of 1,614,196 alleles (0.00025%); highest among the groups gnomAD compares: Non-Finnish European, 0.00034%; no homozygotes.

Submissions (2):

Color Diagnostics, LLC DBA Color Health
Classification: Uncertain significance for Cardiomyopathy. Last evaluated: 2025-05-20. Review status: criteria provided, single submitter. Criteria: ACMG Guidelines, 2015. Collection method: clinical testing. Allele origin: germline.
Comment: This missense variant replaces lysine with glutamic acid at codon 2475 of the DSP protein. Computational prediction suggests that this variant may not impact protein structure and function. To our knowledge, functional studies have not been reported for this variant. This variant has not been reported in individuals affected with DSP-related disorders in the literature. This variant has not been identified in the general population by the Genome Aggregation Database (gnomAD). The available evidence is insufficient to determine the role of this variant in disease conclusively. Therefore, this variant is classified as a Variant of Uncertain Significance.

GeneDx
Classification: Uncertain significance. Last evaluated: 2019-09-16. Review status: criteria provided, single submitter. Criteria: GeneDx Variant Classification Process June 2021. Collection method: clinical testing. Allele origin: germline. Affected: yes.
Comment: Has not been previously published as pathogenic or benign to our knowledge; Not observed in large population cohorts (Lek et al., 2016); In silico analysis, which includes protein predictors and evolutionary conservation, supports a deleterious effect

NM_004415.4(DSP):c.7423A>G (p.Lys2475Glu)

Gene: DSP (desmoplakin; plus strand). Cytogenetic location: 6p24.3.
Variant type: single nucleotide variant.
Coding change: c.7423A>G on transcript NM_004415.4 (MANE Select); coding-DNA position 7423, A replaced by G.
Protein change: p.Lys2475Glu; replaces lysine 2475 with glutamic acid.
Molecular consequence: missense variant.
Genome position (GRCh38, 1-based): chr6:7,584,685, A>G. VCF-style: chr6-7584685-A-G. GRCh37 (hg19) VCF-style: chr6-7584918-A-G.
Other names: c.5626A>G, p.Lys1876Glu (NM_001008844.3); c.6094A>G, p.Lys2032Glu (NM_001319034.2); short protein forms K1876E, K2032E, K2475E.
Identifiers: ClinVar variation 1312357 (VCV001312357.3), dbSNP rs1561703686, ClinGen allele CA362692968.